The following is an entry in ClinVar:

NM_016169.4(SUFU):c.1322A>G (p.Glu441Gly)

Gene: SUFU (SUFU negative regulator of hedgehog signaling; plus strand). Cytogenetic location: 10q24.32.
Variant type: single nucleotide variant.
Coding change: c.1322A>G on transcript NM_016169.4 (MANE Select); coding-DNA position 1322, A replaced by G.
Protein change: p.Glu441Gly; replaces glutamic acid 441 with glycine.
Molecular consequence: missense variant.
Genome position (GRCh38, 1-based): chr10:102,627,200, A>G. VCF-style: chr10-102627200-A-G. GRCh37 (hg19) VCF-style: chr10-104386957-A-G.
Other names: short protein forms E441G.
Identifiers: ClinVar variation 4782549 (VCV004782549.1).

ClinVar aggregate classification (germline): Uncertain significance (1 of 4 stars; one submission).

Conditions:
Gorlin syndrome. Also called: Nevoid Basal Cell Carcinoma Syndrome; Basal cell nevus syndrome. Identifiers: Orphanet 377, MedGen C0004779, MONDO:0007187.
Medulloblastoma (MDB). Also called: MEDULLOBLASTOMA PREDISPOSITION SYNDROME; Medulloblastoma, somatic. Identifiers: Orphanet 616, MedGen C0025149, MeSH D008527, MONDO:0007959, OMIM 155255, HP:0002885.

gnomAD v4.1: 3 of 1,614,268 alleles (0.00019%); highest among the groups gnomAD compares: South Asian, 0.0033%; no homozygotes.

Submission:

Labcorp Genetics (formerly Invitae), Labcorp
Classification: Uncertain significance for Gorlin syndrome; Medulloblastoma. Last evaluated: 2025-08-06. Review status: criteria provided, single submitter. Criteria: Invitae Variant Classification Sherloc (09022015). Collection method: clinical testing. Allele origin: germline.
Comment: This sequence change replaces glutamic acid, which is acidic and polar, with glycine, which is neutral and non-polar, at codon 441 of the SUFU protein (p.Glu441Gly). This variant is not present in population databases (gnomAD no frequency). This variant has not been reported in the literature in individuals affected with SUFU-related conditions. Invitae Evidence Modeling of protein sequence and biophysical properties (such as structural, functional, and spatial information, amino acid conservation, physicochemical variation, residue mobility, and thermodynamic stability) indicates that this missense variant is not expected to disrupt SUFU protein function with a negative predictive value of 80%. In summary, the available evidence is currently insufficient to determine the role of this variant in disease. Therefore, it has been classified as a Variant of Uncertain Significance.